The following is an entry in ClinVar:

NM_001039591.3(USP9X):c.190G>A (p.Glu64Lys)

Gene: USP9X (ubiquitin specific peptidase 9 X-linked; plus strand). Cytogenetic location: Xp11.4.
Variant type: single nucleotide variant.
Coding change: c.190G>A on transcript NM_001039591.3 (MANE Select); coding-DNA position 190, G replaced by A.
Protein change: p.Glu64Lys; replaces glutamic acid 64 with lysine.
Molecular consequence: missense variant.
Genome position (GRCh38, 1-based): chrX:41,129,093, G>A. VCF-style: chrX-41129093-G-A. GRCh37 (hg19) VCF-style: chrX-40988346-G-A.
Other names: c.190G>A, p.Glu64Lys (NM_001039590.3, NM_001410748.1, NM_001410749.1); short protein forms E64K.
Identifiers: ClinVar variation 1704754 (VCV001704754.5), dbSNP rs2519087658, ClinGen allele CA412760461.
Genomic context (GRCh38, chrX:41,129,093, plus strand): 5'-CCGGCAACTCCCCCAGATGAGCAAGGTCAAGGTGATGCCCCACCACAGCTTGAAGATGAG[G>A]AACCTGCATTTCCACATACTGACTTGGCCAAGTTGGATGACATGATCAACAGGTGAGTTG-3'
Protein context (NP_001034680.2, residues 54-74): GDAPPQLEDE[Glu64Lys]PAFPHTDLAK

ClinVar aggregate classification (germline): Uncertain significance (1 of 4 stars; one submission).

Submission:

GeneDx
Classification: Uncertain significance. Last evaluated: 2023-11-09. Review status: criteria provided, single submitter. Criteria: GeneDx Variant Classification Process June 2021. Collection method: clinical testing. Allele origin: germline. Affected: yes.
Comment: Not observed at significant frequency in large population cohorts (gnomAD); In silico analysis supports that this missense variant does not alter protein structure/function; Has not been previously published as pathogenic or benign to our knowledge